The following is an entry in ClinVar:

NM_001042492.3(NF1):c.4408del (p.Ser1470fs)

Gene: NF1 (neurofibromin 1; plus strand). Cytogenetic location: 17q11.2.
Variant type: Deletion.
Coding change: c.4408del on transcript NM_001042492.3 (MANE Select); coding-DNA position 4408, one base deleted (A; older notation c.4408delA).
Protein change: p.Ser1470fs; shifts the reading frame from serine 1470.
Molecular consequence: frameshift variant.
Genome position (GRCh38, 1-based): chr17:31,259,107, A deleted; the last of 4 consecutive A bases (chr17:31,259,104-31,259,107); deleting any one gives the same sequence. VCF-style (leftmost placement, unchanged base first): chr17-31259103-GA-G. GRCh37 (hg19) VCF-style: chr17-29586121-GA-G.
Other names: c.4345delA, p.Ser1449Alafs (NM_000267.3); c.4345del, p.Ser1449fs (NM_000267.4); short protein forms S1449fs, S1470fs.
Identifiers: ClinVar variation 4528297 (VCV004528297.1).

ClinVar aggregate classification (germline): Pathogenic (1 of 4 stars; one submission).

Submission:

GeneDx
Classification: Pathogenic. Last evaluated: 2025-04-22. Review status: criteria provided, single submitter. Criteria: GeneDx Variant Classification Process June 2021. Collection method: clinical testing. Allele origin: germline. Affected: yes.
Comment: Frameshift variant predicted to result in protein truncation or nonsense mediated decay in a gene for which loss of function is a known mechanism of disease; Not observed at significant frequency in large population cohorts (gnomAD); This variant is associated with the following publications: (PMID: 30530636)